The following is an entry in ClinVar:

ClinVar aggregate classification (germline): Likely benign. Review status: criteria provided, multiple submitters, no conflicts (2 of 4 stars). 2 submissions from 2 submitters: Likely benign (2). Last evaluated 2026-06-18.

Conditions:
Retinoblastoma (RB1). Also called: RETINOBLASTOMA, SOMATIC. Identifiers: Orphanet 790, MedGen C0035335, MeSH D012175, MONDO:0008380, OMIM 180200, HP:0009919. Disease mechanism: loss of function. Inheritance: Both sporadic and heritable forms are tested..

gnomAD v4.1: 2 of 1,611,884 alleles (0.00012%); highest among the groups gnomAD compares: Non-Finnish European, 0.00017%; no homozygotes.

Submissions (2):

Myriad Genetics, Inc.
Classification: Likely benign for Retinoblastoma. Last evaluated: 2026-06-18. Review status: criteria provided, single submitter. Criteria: Myriad Autosomal Dominant, Autosomal Recessive and X-Linked Classification Criteria (2023). Collection method: clinical testing. Allele origin: unknown.
Comment: This variant is considered likely benign. This variant is intronic and is not expected to impact mRNA splicing.

Labcorp Genetics (formerly Invitae), Labcorp
Classification: Likely benign for Retinoblastoma. Last evaluated: 2025-04-13. Review status: criteria provided, single submitter. Criteria: Invitae Variant Classification Sherloc (09022015). Collection method: clinical testing. Allele origin: germline.

NM_000321.3(RB1):c.1127+7A>C

Gene: RB1 (RB transcriptional corepressor 1; plus strand). Cytogenetic location: 13q14.2.
Variant type: single nucleotide variant.
Coding change: c.1127+7A>C on transcript NM_000321.3 (MANE Select); 7 bases into the intron after coding-DNA position 1127, A replaced by C.
Molecular consequence: intron variant.
Genome position (GRCh38, 1-based): chr13:48,368,611, A>C. VCF-style: chr13-48368611-A-C. GRCh37 (hg19) VCF-style: chr13-48942747-A-C.
Other names: c.1127+7A>C (NM_001407165.1, NM_001407166.1).
Identifiers: ClinVar variation 4747151 (VCV004747151.2).